The following is an entry in ClinVar:

ClinVar aggregate classification (germline): Uncertain significance. Review status: criteria provided, multiple submitters, no conflicts (2 of 4 stars). 2 submissions from 2 submitters: Uncertain significance (2). Last evaluated 2024-11-27.

Conditions:
CAMK2B-related disorder. Also called: CAMK2B-related condition.

Allele frequency attached by ClinVar (database versions not stated): gnomAD exomes below 0.00001.
gnomAD v4.1: 4 of 1,613,996 alleles (0.00025%); highest among the groups gnomAD compares: Non-Finnish European, 0.00034%; no homozygotes.

Submissions (2):

Labcorp Genetics (formerly Invitae), Labcorp
Classification: Uncertain significance. Last evaluated: 2024-11-27. Review status: criteria provided, single submitter. Criteria: Invitae Variant Classification Sherloc (09022015). Collection method: clinical testing. Allele origin: germline.
Comment: This sequence change replaces glutamine, which is neutral and polar, with glutamic acid, which is acidic and polar, at codon 165 of the CAMK2B protein (p.Gln165Glu). This variant is not present in population databases (gnomAD no frequency). This variant has not been reported in the literature in individuals affected with CAMK2B-related conditions. ClinVar contains an entry for this variant (Variation ID: 2633705). An algorithm developed to predict the effect of missense changes on protein structure and function (PolyPhen-2) suggests that this variant is likely to be disruptive. In summary, the available evidence is currently insufficient to determine the role of this variant in disease. Therefore, it has been classified as a Variant of Uncertain Significance.

PreventionGenetics, part of Exact Sciences
Classification: Uncertain significance for CAMK2B-related condition. Last evaluated: 2023-04-06. Review status: criteria provided, single submitter. Criteria: ACMG Guidelines, 2015. Collection method: clinical testing. Allele origin: germline.
Comment: The CAMK2B c.493C>G variant is predicted to result in the amino acid substitution p.Gln165Glu. To our knowledge, this variant has not been reported in the literature or in a large population database, indicating this variant is rare. At this time, the clinical significance of this variant is uncertain due to the absence of conclusive functional and genetic evidence.

NM_001220.5(CAMK2B):c.493C>G (p.Gln165Glu)

Gene: CAMK2B (calcium/calmodulin dependent protein kinase II beta; minus strand). Cytogenetic location: 7p13.
Variant type: single nucleotide variant.
Coding change: c.493C>G on transcript NM_001220.5 (MANE Select); coding-DNA position 493, C replaced by G.
Protein change: p.Gln165Glu; replaces glutamine 165 with glutamic acid.
Molecular consequence: missense variant.
Genome position (GRCh38, 1-based): chr7:44,243,449, G>C on the plus strand (C>G on the coding strand, the complement: CAMK2B is on the minus strand). VCF-style: chr7-44243449-G-C. GRCh37 (hg19) VCF-style: chr7-44283048-G-C.
Other names: c.493C>G, p.Gln165Glu (NM_001293170.2, NM_172078.3, NM_172079.3 and 5 more transcripts); short protein forms Q165E.
Identifiers: ClinVar variation 2633705 (VCV002633705.4), dbSNP rs2096701433, ClinGen allele CA367366044.